The following is an entry in ClinVar:

ClinVar aggregate classification (germline): Uncertain significance. Review status: criteria provided, multiple submitters, no conflicts (2 of 4 stars). 2 submissions from 2 submitters: Uncertain significance (2). Last evaluated 2022-03-10.

Allele frequency attached by ClinVar (database versions not stated): gnomAD exomes 0.00001.
gnomAD v4.1: 15 of 1,613,836 alleles (0.00093%); highest among the groups gnomAD compares: Non-Finnish European, 0.0013%; no homozygotes.

Submissions (2):

Labcorp Genetics (formerly Invitae), Labcorp
Classification: Uncertain significance. Last evaluated: 2022-03-10. Review status: criteria provided, single submitter. Criteria: Invitae Variant Classification Sherloc (09022015). Collection method: clinical testing. Allele origin: germline.
Comment: This variant is not present in population databases (gnomAD no frequency). In summary, the available evidence is currently insufficient to determine the role of this variant in disease. Therefore, it has been classified as a Variant of Uncertain Significance. Algorithms developed to predict the effect of missense changes on protein structure and function are either unavailable or do not agree on the potential impact of this missense change (SIFT: "Deleterious"; PolyPhen-2: "Possibly Damaging"; Align-GVGD: "Class C0"). ClinVar contains an entry for this variant (Variation ID: 865991). This variant has not been reported in the literature in individuals affected with RP1-related conditions. This sequence change replaces glycine, which is neutral and non-polar, with glutamic acid, which is acidic and polar, at codon 1649 of the RP1 protein (p.Gly1649Glu).

Blueprint Genetics
Classification: Uncertain significance. Last evaluated: 2019-08-05. Review status: criteria provided, single submitter. Criteria: ACMG Guidelines, 2015. Collection method: clinical testing. Allele origin: germline.

NM_006269.2(RP1):c.4946G>A (p.Gly1649Glu)

Genes: RP1 (RP1 axonemal microtubule associated; plus strand), LOC126860392 (CDK7 strongly-dependent group 2 enhancer GRCh37_chr8:55541319-55542518; plus strand). Cytogenetic location: 8q12.1.
Variant type: single nucleotide variant.
Coding change: c.4946G>A on transcript NM_006269.2 (MANE Select); coding-DNA position 4946, G replaced by A.
Protein change: p.Gly1649Glu; replaces glycine 1649 with glutamic acid.
Molecular consequence: missense variant. On other transcripts: intron variant (1).
Genome position (GRCh38, 1-based): chr8:54,628,828, G>A. VCF-style: chr8-54628828-G-A. GRCh37 (hg19) VCF-style: chr8-55541388-G-A.
Other names: c.787+6540G>A (NM_001375654.1); short protein forms G1649E.
Identifiers: ClinVar variation 865991 (VCV000865991.10), dbSNP rs1806159976, ClinGen allele CA370984489.